The following is an entry in ClinVar:

ClinVar aggregate classification (germline): Likely pathogenic (1 of 4 stars; one submission).

Conditions:
Inborn genetic diseases. Identifiers: MedGen C0950123, MeSH D030342.

Submission:

Ambry Genetics
Classification: Likely pathogenic for Inborn genetic diseases. Last evaluated: 2025-12-11. Review status: criteria provided, single submitter. Criteria: Ambry Variant Classification Scheme 2023. Collection method: clinical testing. Allele origin: germline.
Comment: The c.2406A>C (p.E802D) alteration is located in exon 16 (coding exon 16) of the ARFGEF1 gene. This alteration results from an A to C substitution at nucleotide position 2406, causing the glutamic acid (E) at amino acid position 802 to be replaced by an aspartic acid (D). This variant was not reported in population-based cohorts in the Genome Aggregation Database (gnomAD). This amino acid position is highly conserved in available vertebrate species. This missense alteration is located in a region that has a low rate of benign missense variation (Lek, 2016; Firth, 2009). This alteration is predicted to be deleterious by in silico analysis. Based on the available evidence, this alteration is classified as likely pathogenic.

NM_006421.5(ARFGEF1):c.2406A>C (p.Glu802Asp)

Gene: ARFGEF1 (ARF guanine nucleotide exchange factor 1; minus strand). Cytogenetic location: 8q13.2.
Variant type: single nucleotide variant.
Coding change: c.2406A>C on transcript NM_006421.5 (MANE Select); coding-DNA position 2406, A replaced by C.
Protein change: p.Glu802Asp; replaces glutamic acid 802 with aspartic acid.
Molecular consequence: missense variant. On other transcripts: non-coding transcript variant (1).
Genome position (GRCh38, 1-based): chr8:67,258,120, T>G on the plus strand (A>C on the coding strand, the complement: ARFGEF1 is on the minus strand). VCF-style: chr8-67258120-T-G. GRCh37 (hg19) VCF-style: chr8-68170355-T-G.
Other names: c.2406A>C, p.Glu802Asp (NM_001413184.1, NM_001413185.1, NM_001413186.1 and 7 more transcripts); c.1806A>C, p.Glu602Asp (NM_001413188.1, NM_001413193.1, NM_001413197.1); c.981A>C, p.Glu327Asp (NM_001413196.1); short protein forms E327D, E602D, E802D.
Identifiers: ClinVar variation 4583693 (VCV004583693.1).
Genomic context (GRCh38, chr8:67,258,120, plus strand): 5'-CAATGAGCATTTGAACCTTATTTACCCTTGGTTGCATTCTAGGTATCTTGCAGCAAATTT[T>G]TCCATTAATCGATCGATTTTCTGAGCTTCCCCTGGAAGACGAAATCCTTCTAGAAACATA-3'
Protein context (NP_006412.2, residues 792-812): GEAQKIDRLM[Glu802Asp]KFAARYLECN